The following is an entry in ClinVar:

ClinVar aggregate classification (germline): Uncertain significance (1 of 4 stars; one submission).

Allele frequency attached by ClinVar (database versions not stated): gnomAD exomes below 0.00001; ExAC 0.00001; TOPMed 0.00002; gnomAD 0.00003.
gnomAD v4.1: 11 of 1,611,086 alleles (0.00068%); highest among the groups gnomAD compares: African/African-American, 0.0094%; no homozygotes.

Submission:

Labcorp Genetics (formerly Invitae), Labcorp
Classification: Uncertain significance. Last evaluated: 2025-08-26. Review status: criteria provided, single submitter. Criteria: Invitae Variant Classification Sherloc (09022015). Collection method: clinical testing. Allele origin: germline.
Comment: This sequence change replaces valine, which is neutral and non-polar, with isoleucine, which is neutral and non-polar, at codon 1285 of the TRRAP protein (p.Val1285Ile). This variant is present in population databases (rs781793083, gnomAD 0.01%). This variant has not been reported in the literature in individuals affected with TRRAP-related conditions. ClinVar contains an entry for this variant (Variation ID: 2970030). An algorithm developed to predict the effect of missense changes on protein structure and function (PolyPhen-2) suggests that this variant is likely to be tolerated. In summary, the available evidence is currently insufficient to determine the role of this variant in disease. Therefore, it has been classified as a Variant of Uncertain Significance.

NM_001375524.1(TRRAP):c.3853G>A (p.Val1285Ile)

Gene: TRRAP (transformation/transcription domain associated protein; plus strand). Cytogenetic location: 7q22.1.
Variant type: single nucleotide variant.
Coding change: c.3853G>A on transcript NM_001375524.1 (MANE Select); coding-DNA position 3853, G replaced by A.
Protein change: p.Val1285Ile; replaces valine 1285 with isoleucine.
Molecular consequence: missense variant.
Genome position (GRCh38, 1-based): chr7:98,933,241, G>A. VCF-style: chr7-98933241-G-A. GRCh37 (hg19) VCF-style: chr7-98530864-G-A.
Other names: c.3853G>A, p.Val1285Ile (NM_001244580.2, NM_003496.4); short protein forms V1285I.
Identifiers: ClinVar variation 2970030 (VCV002970030.3), dbSNP rs781793083, ClinGen allele CA4360102.